The following is an entry in ClinVar:

ClinVar aggregate classification (germline): Uncertain significance (1 of 4 stars; one submission).

Conditions:
Autosomal dominant limb-girdle muscular dystrophy type 1G (LGMDD3). Also called: Limb-girdle muscular dystrophy, type 1G; MUSCULAR DYSTROPHY, LIMB-GIRDLE, AUTOSOMAL DOMINANT 3. Identifiers: Orphanet 55596, MedGen C1836765, MONDO:0012193, OMIM 609115.

Submission:

Labcorp Genetics (formerly Invitae), Labcorp
Classification: Uncertain significance for Autosomal dominant limb-girdle muscular dystrophy type 1G. Last evaluated: 2025-04-17. Review status: criteria provided, single submitter. Criteria: Invitae Variant Classification Sherloc (09022015). Collection method: clinical testing. Allele origin: germline.
Comment: This variant, c.991_993dup, results in the insertion of 1 amino acid(s) of the HNRNPDL protein (p.Gly331dup), but otherwise preserves the integrity of the reading frame. This variant is present in population databases (no rsID available, gnomAD 0.03%). This variant has not been reported in the literature in individuals affected with HNRNPDL-related conditions. ClinVar contains an entry for this variant (Variation ID: 3626962). In summary, the available evidence is currently insufficient to determine the role of this variant in disease. Therefore, it has been classified as a Variant of Uncertain Significance.

NM_031372.4(HNRNPDL):c.991_993dup (p.Gly331_Arg332insGly)

Gene: HNRNPDL (heterogeneous nuclear ribonucleoprotein D like; minus strand). Cytogenetic location: 4q21.22.
Variant type: Duplication.
Coding change: c.991_993dup on transcript NM_031372.4 (MANE Select); coding-DNA positions 991 to 993, 3 bases duplicated (GGA; older notation c.991_993dupGGA).
Protein change: p.Gly331_Arg332insGly.
Molecular consequence: inframe insertion. On other transcripts: non-coding transcript variant (1).
Genome position (GRCh38, 1-based): chr4:82,427,218-82,427,220, TCC duplicated on the plus strand (GGA on the coding strand, the reverse complement: HNRNPDL is on the minus strand). VCF-style (leftmost placement, unchanged base first): chr4-82427217-G-GTCC. GRCh37 (hg19) VCF-style: chr4-83348370-G-GTCC.
Other names: c.991_993dup, p.Gly331_Arg332insGly (NM_001207000.1).
Identifiers: ClinVar variation 3626962 (VCV003626962.2).
Genomic context (GRCh38, chr4:82,427,217, plus strand): 5'-CCACGGAGTCATATTTCAAGAATTAAGTCTCACCTCGGCCACGACCCCTCGTACCACCTC[G>GTCC]TCCACCAGCTGCAGCACCTCTTCCACCTTTTTGTTGTTGCTGTTGCTGCCTATATACCTC-3'